The following is an entry in ClinVar:

ClinVar aggregate classification (germline): Uncertain significance. Review status: criteria provided, multiple submitters, no conflicts (2 of 4 stars). 2 submissions from 2 submitters: Uncertain significance (2). Last evaluated 2025-01-16.

Conditions:
Inborn genetic diseases. Identifiers: MedGen C0950123, MeSH D030342.
Acute myeloid leukemia (AML). Also called: Leukemia, acute myeloid, somatic; Leukemia, acute myelogenous, somatic; Acute myeloid leukemia, adult; AML adult; Acute non-lymphocytic leukemia; Acute granulocytic leukemia. Identifiers: Orphanet 519, MedGen C0023467, MeSH D015470, MONDO:0018874, OMIM 601626, HP:0004808. Disease mechanism: Constitutively activated FLT3.

Allele frequency attached by ClinVar (database versions not stated): TOPMed below 0.00001; gnomAD 0.00001; gnomAD exomes 0.00001.

Submissions (2):

Ambry Genetics
Classification: Uncertain significance for Inborn genetic diseases. Last evaluated: 2025-01-16. Review status: criteria provided, single submitter. Criteria: Ambry Variant Classification Scheme 2023. Collection method: clinical testing. Allele origin: germline.
Comment: The p.P233T variant (also known as c.697C>A), located in coding exon 1 of the CEBPA gene, results from a C to A substitution at nucleotide position 697. The proline at codon 233 is replaced by threonine, an amino acid with highly similar properties. This amino acid position is conserved. In addition, this alteration is predicted to be tolerated by in silico analysis. Based on the available evidence, the clinical significance of this variant remains unclear.

Labcorp Genetics (formerly Invitae), Labcorp
Classification: Uncertain significance for Acute myeloid leukemia. Last evaluated: 2022-10-28. Review status: criteria provided, single submitter. Criteria: Invitae Variant Classification Sherloc (09022015). Collection method: clinical testing. Allele origin: germline.
Comment: In summary, the available evidence is currently insufficient to determine the role of this variant in disease. Therefore, it has been classified as a Variant of Uncertain Significance. Advanced modeling of protein sequence and biophysical properties (such as structural, functional, and spatial information, amino acid conservation, physicochemical variation, residue mobility, and thermodynamic stability) performed at Invitae indicates that this missense variant is not expected to disrupt CEBPA protein function. ClinVar contains an entry for this variant (Variation ID: 1361278). This variant has not been reported in the literature in individuals affected with CEBPA-related conditions. This variant is not present in population databases (gnomAD no frequency). This sequence change replaces proline, which is neutral and non-polar, with threonine, which is neutral and polar, at codon 233 of the CEBPA protein (p.Pro233Thr).

NM_004364.5(CEBPA):c.697C>A (p.Pro233Thr)

Gene: CEBPA (CCAAT enhancer binding protein alpha; minus strand). Cytogenetic location: 19q13.11.
Variant type: single nucleotide variant.
Coding change: c.697C>A on transcript NM_004364.5 (MANE Select); coding-DNA position 697, C replaced by A.
Protein change: p.Pro233Thr; replaces proline 233 with threonine.
Molecular consequence: missense variant.
Genome position (GRCh38, 1-based): chr19:33,301,718, G>T on the plus strand (C>A on the coding strand, the complement: CEBPA is on the minus strand). VCF-style: chr19-33301718-G-T. GRCh37 (hg19) VCF-style: chr19-33792624-G-T.
Other names: c.340C>A, p.Pro114Thr (NM_001285829.2); c.802C>A, p.Pro268Thr (NM_001287424.2); c.655C>A, p.Pro219Thr (NM_001287435.2); c.697C>A (NM_004364.3); short protein forms P114T, P233T, P219T, P268T.
Identifiers: ClinVar variation 1361278 (VCV001361278.9), dbSNP rs933936962, ClinGen allele CA405274397.
Genomic context (GRCh38, chr19:33,301,718, plus strand): 5'-GCGCGCTGCCAGGGCCCGGCAGGCCGGCGGCACCGAGCGCGGGCGCGGGGTGCGGGCTGG[G>T]CACGGGCGTGGGCGGCGGCGTGGGGTGACCGGGCTGCAGGTGCATGGTGGTCTGGCCGCA-3'
Protein context (NP_004355.2, residues 223-243): GHPTPPPTPV[Pro233Thr]SPHPAPALGA